The following is an entry in ClinVar:

ClinVar aggregate classification (germline): Pathogenic (1 of 4 stars; one submission).

Conditions:
Cornelia de Lange syndrome 1 (CDLS1). Also called: NIPBL-Related Cornelia de Lange Syndrome; Brachmann de Lange syndrome; TYPUS DEGENERATIVUS AMSTELODAMENSIS. Identifiers: Orphanet 199, MedGen C4551851, MONDO:0007387, OMIM 122470.

Submission:

Rady Children's Institute for Genomic Medicine, Rady Children's Hospital San Diego
Classification: Pathogenic for CORNELIA DE LANGE SYNDROME 1. Review status: criteria provided, single submitter. Criteria: ACMG Guidelines, 2015. Collection method: clinical testing. Allele origin: germline. Affected: yes.
Comment: This nonsense variant found in exon 10 of 47 is predicted to result in loss of normal protein function through either protein truncation or nonsense-mediated mRNA decay (NMD). This variant has not been previously reported or functionally characterized in the literature to our knowledge. The NIPBL gene is constrained against variation (Z-score= 5.57 and pLI = 1), and loss-of-function variants in NIPBL are an established mechanism of disease (PMID: 20301283, 15318302). The c.1555G>T(p.Gly519Ter) variant is absent from the gnomAD population database and thus is presumed to be rare. Analysis of the parental samples was negative for the variant, indicating this variant likely occurred as a de novo event. Based on the available evidence, the c.1555G>T(p.Gly519Ter) variant is classified as Pathogenic.

NM_133433.4(NIPBL):c.1555G>T (p.Gly519Ter)

Gene: NIPBL (NIPBL cohesin loading factor; plus strand). Cytogenetic location: 5p13.2.
Variant type: single nucleotide variant.
Coding change: c.1555G>T on transcript NM_133433.4 (MANE Select); coding-DNA position 1555, G replaced by T.
Protein change: p.Gly519Ter; replaces glycine 519 with a stop codon.
Molecular consequence: nonsense.
Genome position (GRCh38, 1-based): chr5:36,984,735, G>T. VCF-style: chr5-36984735-G-T. GRCh37 (hg19) VCF-style: chr5-36984837-G-T.
Other names: c.1555G>T, p.Gly519Ter (NM_015384.5); short protein forms G519*.
Identifiers: ClinVar variation 2584451 (VCV002584451.1), dbSNP rs775080703, ClinGen allele CA359492773.
Genomic context (GRCh38, chr5:36,984,735, plus strand): 5'-GATAAGCCTTTGAAAAAAAGAAAACAAGATTCTTACCCACAGGAGGCTGGGGGTGCTACA[G>T]GAGGTAATAGACCAGCTTCTCAGGAGACGGGTTCTACGGGAAATGGGTCAAGGCCAGCAT-3'